The following is an entry in ClinVar:

ClinVar aggregate classification (germline): Benign. Review status: criteria provided, multiple submitters, no conflicts (2 of 4 stars). 22 submissions from 20 submitters: Benign (15). 7 of the submissions do not count toward it. Last evaluated 2026-02-04.

Conditions:
Amyotrophic lateral sclerosis type 4 (ALS4). Also called: AMYOTROPHIC LATERAL SCLEROSIS 4, JUVENILE; NEURONOPATHY, DISTAL HEREDITARY MOTOR, WITH PYRAMIDAL FEATURES. Identifiers: Orphanet 357043, MedGen C1865409, MONDO:0011223, OMIM 602433.
Spinocerebellar ataxia, autosomal recessive, with axonal neuropathy 2 (SCAN2). Also called: Ataxia-ocular apraxia-2; Ataxia with Oculomotor Apraxia Type 2; ATAXIA-OCULOMOTOR APRAXIA 2; Ataxia with Oculomotor Apraxia. Identifiers: Orphanet 64753, MedGen C1853761, MONDO:0018996, OMIM 606002.

Allele frequency attached by ClinVar (database versions not stated): 1000 Genomes Project 30x 0.55715; gnomAD exomes 0.73441 and 0.80402; TOPMed 0.66537; gnomAD 0.68476 and 0.68136; ExAC 0.72508; 1000 Genomes Project 0.55611; ESP Exome Variant Server 0.69306.
gnomAD v4.1: 1,276,332 of 1,613,874 alleles (79%); highest among the groups gnomAD compares: Non-Finnish European, 85%; 520,850 homozygotes.

Submissions (22):

Labcorp Genetics (formerly Invitae), Labcorp
Classification: Benign for Amyotrophic lateral sclerosis type 4; Spinocerebellar ataxia, autosomal recessive, with axonal neuropathy 2. Last evaluated: 2026-02-04. Review status: criteria provided, single submitter. Criteria: Invitae Variant Classification Sherloc (09022015). Collection method: clinical testing. Allele origin: germline.

ARUP Laboratories, Molecular Genetics and Genomics, ARUP Laboratories
Classification: Benign. Last evaluated: 2025-07-30. Review status: criteria provided, single submitter. Criteria: ARUP Molecular Germline Variant Investigation Process 2024. Collection method: clinical testing. Allele origin: germline.

Blueprint Genetics
Classification: Benign. Last evaluated: 2024-11-27. Review status: criteria provided, single submitter. Criteria: ACMG Guidelines, 2015. Collection method: clinical testing. Allele origin: germline.

Genome-Nilou Lab
Classification: Benign for Amyotrophic lateral sclerosis type 4. Last evaluated: 2021-07-15. Review status: criteria provided, single submitter. Criteria: ACMG Guidelines, 2015. Collection method: clinical testing. Allele origin: germline. Affected: no.

Genome-Nilou Lab
Classification: Benign for Spinocerebellar ataxia, autosomal recessive, with axonal neuropathy 2. Last evaluated: 2021-07-15. Review status: criteria provided, single submitter. Criteria: ACMG Guidelines, 2015. Collection method: clinical testing. Allele origin: germline. Affected: no.

Mendelics
Classification: Benign for Amyotrophic lateral sclerosis type 4. Last evaluated: 2019-05-28. Review status: criteria provided, single submitter. Criteria: Mendelics Assertion Criteria 2017. Collection method: clinical testing. Allele origin: unknown.

Illumina Laboratory Services, Illumina
Classification: Benign for Amyotrophic lateral sclerosis type 4. Last evaluated: 2018-01-13. Review status: criteria provided, single submitter. Criteria: ICSL Variant Classification Criteria 13 December 2019. Collection method: clinical testing. Allele origin: germline.
Comment: This variant was observed in the ICSL laboratory as part of a predisposition screen in an ostensibly healthy population. It had not been previously curated by ICSL or reported in the Human Gene Mutation Database (HGMD: prior to June 1st, 2018), and was therefore a candidate for classification through an automated scoring system. Utilizing variant allele frequency, disease prevalence and penetrance estimates, and inheritance mode, an automated score was calculated to assess if this variant is too frequent to cause the disease. Based on the score and internal cut-off values, a variant classified as benign is not then subjected to further curation. The score for this variant resulted in a classification of benign for this disease.

Illumina Laboratory Services, Illumina
Classification: Benign for Spinocerebellar ataxia, autosomal recessive, with axonal neuropathy 2. Last evaluated: 2018-01-13. Review status: criteria provided, single submitter. Criteria: ICSL Variant Classification Criteria 13 December 2019. Collection method: clinical testing. Allele origin: germline.
Comment: the same text as in the submission from Illumina Laboratory Services, Illumina above.

Athena Diagnostics
Classification: Benign. Last evaluated: 2017-04-12. Review status: criteria provided, single submitter. Criteria: Athena Diagnostics Criteria. Collection method: clinical testing. Allele origin: germline.

Laboratory for Molecular Medicine, Mass General Brigham Personalized Medicine
Classification: Benign. Last evaluated: 2016-03-29. Review status: criteria provided, single submitter. Criteria: LMM Criteria. Collection method: clinical testing. Allele origin: germline.
Comment: Variant identified in a genome or exome case(s) and assessed due to predicted null impact of the variant or pathogenic assertions in the literature or databases. Disclaimer: This variant has not undergone full assessment. The following are preliminary notes: Frequency, 2 labs classify as benign/LB in clinvar

Mayo Clinic Laboratories, Mayo Clinic
Classification: Benign. Last evaluated: 2015-09-01. Review status: criteria provided, single submitter. Criteria: ACMG Guidelines, 2015. Collection method: clinical testing. Allele origin: germline. Observed: 2,542 variant alleles.

GeneDx
Classification: Benign. Last evaluated: 2015-04-29. Review status: criteria provided, single submitter. Criteria: GeneDx Variant Classification (06012015). Collection method: clinical testing. Allele origin: germline. Affected: yes.
Comment: This variant is considered likely benign or benign based on one or more of the following criteria: it is a conservative change, it occurs at a poorly conserved position in the protein, it is predicted to be benign by multiple in silico algorithms, and/or has population frequency not consistent with disease.

Eurofins Ntd Llc (ga)
Classification: Benign. Last evaluated: 2013-07-24. Review status: criteria provided, single submitter. Criteria: EGL Classification Definitions 2015. Collection method: clinical testing. Allele origin: germline. Observed: 11 variant alleles, 3 heterozygotes, 8 homozygotes.

Breakthrough Genomics
Classification: Benign. Review status: criteria provided, single submitter. Criteria: ACMG Guidelines, 2015. Collection method: not provided. Allele origin: germline. Inheritance: Autosomal recessive inheritance. Affected: yes.

PreventionGenetics, part of Exact Sciences
Classification: Benign. Review status: criteria provided, single submitter. Criteria: ACMG Guidelines, 2015. Collection method: clinical testing. Allele origin: germline.

Clinical Genetics DNA and cytogenetics Diagnostics Lab, Erasmus MC, Erasmus Medical Center
Classification: Benign. Review status: no assertion criteria provided. Collection method: clinical testing. Allele origin: germline. Affected: yes. Study: VKGL Data-share Consensus. Not counted in ClinVar's aggregate classification.

Clinical Genetics, Academic Medical Center
Classification: Benign. Review status: no assertion criteria provided. Collection method: clinical testing. Allele origin: germline. Affected: yes. Study: VKGL Data-share Consensus. Not counted in ClinVar's aggregate classification.

Diagnostic Laboratory, Department of Genetics, University Medical Center Groningen
Classification: Benign. Review status: no assertion criteria provided. Collection method: clinical testing. Allele origin: germline. Affected: yes. Study: VKGL Data-share Consensus. Not counted in ClinVar's aggregate classification.

Genetic Services Laboratory, University of Chicago
Classification: Likely benign for AllHighlyPenetrant. Review status: no assertion criteria provided. Collection method: clinical testing. Allele origin: germline. Not counted in ClinVar's aggregate classification.
Comment: Likely benign based on allele frequency in 1000 Genomes Project or ESP global frequency and its presence in a patient with a rare or unrelated disease phenotype. NOT Sanger confirmed.

Genome Diagnostics Laboratory, Amsterdam University Medical Center
Classification: Benign. Review status: no assertion criteria provided. Collection method: clinical testing. Allele origin: germline. Affected: yes. Study: VKGL Data-share Consensus. Not counted in ClinVar's aggregate classification.

Genome Diagnostics Laboratory, University Medical Center Utrecht
Classification: Benign. Review status: no assertion criteria provided. Collection method: clinical testing. Allele origin: germline. Affected: yes. Study: VKGL Data-share Consensus. Not counted in ClinVar's aggregate classification.

Joint Genome Diagnostic Labs from Nijmegen and Maastricht, Radboudumc and MUMC+
Classification: Benign. Review status: no assertion criteria provided. Collection method: clinical testing. Allele origin: germline. Affected: yes. Study: VKGL Data-share Consensus. Not counted in ClinVar's aggregate classification.

Literature cited by the submitters: PubMed 14770181 (cited by Athena Diagnostics).

NM_015046.7(SETX):c.3754G>A (p.Gly1252Arg)

Gene: SETX (senataxin; minus strand). Cytogenetic location: 9q34.13.
Variant type: single nucleotide variant.
Coding change: c.3754G>A on transcript NM_015046.7 (MANE Select); coding-DNA position 3754, G replaced by A.
Protein change: p.Gly1252Arg; replaces glycine 1252 with arginine.
Molecular consequence: missense variant.
Genome position (GRCh38, 1-based): chr9:132,327,844, C>T on the plus strand (G>A on the coding strand, the complement: SETX is on the minus strand). VCF-style: chr9-132327844-C-T. GRCh37 (hg19) VCF-style: chr9-135203231-C-T.
Other names: c.3754G>A, p.Gly1252Arg (NM_001351527.2, NM_001351528.2); short protein forms G1252R.
Identifiers: ClinVar variation 95662 (VCV000095662.82), dbSNP rs1183768, ClinGen allele CA148716.